The following is an entry in ClinVar:

ClinVar aggregate classification (germline): Conflicting classifications of pathogenicity. Review status: criteria provided, conflicting classifications (1 of 4 stars). 3 submissions from 3 submitters: Uncertain significance (2); Likely benign (1). Last evaluated 2026-06-16.

Conditions:
Hereditary diffuse gastric adenocarcinoma (HDGC). Also called: DIFFUSE GASTRIC AND LOBULAR BREAST CANCER SYNDROME. Identifiers: Orphanet 26106, MedGen C1708349, MONDO:0007648, OMIM 137215.
Hereditary cancer-predisposing syndrome. Also called: Neoplastic Syndromes, Hereditary; Hereditary neoplastic syndrome; Hereditary Cancer Syndrome; Tumor predisposition. Identifiers: Orphanet 140162, MedGen C0027672, MeSH D009386, MONDO:0015356.

Submissions (3):

Ambry Genetics
Classification: Likely benign for Hereditary cancer-predisposing syndrome. Last evaluated: 2026-06-16. Review status: criteria provided, single submitter. Criteria: Ambry Variant Classification Scheme 2023. Collection method: clinical testing. Allele origin: germline.

Labcorp Genetics (formerly Invitae), Labcorp
Classification: Uncertain significance for Hereditary diffuse gastric adenocarcinoma. Last evaluated: 2024-04-22. Review status: criteria provided, single submitter. Criteria: Invitae Variant Classification Sherloc (09022015). Collection method: clinical testing. Allele origin: germline.
Comment: This sequence change replaces glutamic acid, which is acidic and polar, with valine, which is neutral and non-polar, at codon 353 of the CDH1 protein (p.Glu353Val). This variant is not present in population databases (gnomAD no frequency). This variant has not been reported in the literature in individuals affected with CDH1-related conditions. ClinVar contains an entry for this variant (Variation ID: 486832). An algorithm developed to predict the effect of missense changes on protein structure and function (PolyPhen-2) suggests that this variant is likely to be tolerated. This variant disrupts the p.Glu353 amino acid residue in CDH1. Other variant(s) that disrupt this residue have been determined to be pathogenic (Invitae; external communication). This suggests that this residue is clinically significant, and that variants that disrupt this residue are likely to be disease-causing. In summary, the available evidence is currently insufficient to determine the role of this variant in disease. Therefore, it has been classified as a Variant of Uncertain Significance.

Color Diagnostics, LLC DBA Color Health
Classification: Uncertain significance for Hereditary cancer-predisposing syndrome. Last evaluated: 2023-12-04. Review status: criteria provided, single submitter. Criteria: ACMG Guidelines, 2015. Collection method: clinical testing. Allele origin: germline.
Comment: This missense variant replaces glutamic acid with valine at codon 353 of the CDH1 protein. To our knowledge, functional studies have not been reported for this variant. This variant has not been reported in individuals affected with CDH1-related disorders in the literature. This variant has not been identified in the general population by the Genome Aggregation Database (gnomAD). The available evidence is insufficient to determine the role of this variant in disease conclusively. Therefore, this variant is classified as a Variant of Uncertain Significance.

NM_004360.5(CDH1):c.1058A>T (p.Glu353Val)

Gene: CDH1 (cadherin 1; plus strand). Cytogenetic location: 16q22.1.
Variant type: single nucleotide variant.
Coding change: c.1058A>T on transcript NM_004360.5 (MANE Select); coding-DNA position 1058, A replaced by T.
Protein change: p.Glu353Val; replaces glutamic acid 353 with valine.
Molecular consequence: missense variant. On other transcripts: 5 prime UTR variant (2).
Genome position (GRCh38, 1-based): chr16:68,812,184, A>T. VCF-style: chr16-68812184-A-T. GRCh37 (hg19) VCF-style: chr16-68846087-A-T.
Other names: c.1058A>T (LRG_301t1); c.1058A>T, p.Glu353Val (NM_001317184.2); c.-558A>T (NM_001317185.2); c.-762A>T (NM_001317186.2); short protein forms E353V.
Identifiers: ClinVar variation 486832 (VCV000486832.17), dbSNP rs1555515730, ClinGen allele CA396460015.